The following is an entry in ClinVar:

ClinVar aggregate classification (germline): Uncertain significance (1 of 4 stars; one submission).

Conditions:
NRP1-related disorder. Also called: NRP1-related condition.

gnomAD v4.1: 64 of 1,613,986 alleles (0.004%); highest among the groups gnomAD compares: South Asian, 0.03%; 1 homozygote.

Submission:

PreventionGenetics, part of Exact Sciences
Classification: Uncertain significance for NRP1-related condition. Last evaluated: 2023-04-16. Review status: criteria provided, single submitter. Criteria: ACMG Guidelines, 2015. Collection method: clinical testing. Allele origin: germline.
Comment: The NRP1 c.1010C>T variant is predicted to result in the amino acid substitution p.Thr337Met. To our knowledge, this variant has not been reported in the literature. This variant is reported in 0.023% of alleles in individuals of South Asian descent in gnomAD. At this time, the clinical significance of this variant is uncertain due to the absence of conclusive functional and genetic evidence.

NM_003873.7(NRP1):c.1010C>T (p.Thr337Met)

Gene: NRP1 (neuropilin 1; minus strand). Cytogenetic location: 10p11.22.
Variant type: single nucleotide variant.
Coding change: c.1010C>T on transcript NM_003873.7 (MANE Select); coding-DNA position 1010, C replaced by T.
Protein change: p.Thr337Met; replaces threonine 337 with methionine.
Molecular consequence: missense variant. On other transcripts: non-coding transcript variant (1).
Genome position (GRCh38, 1-based): chr10:33,226,261, G>A on the plus strand (C>T on the coding strand, the complement: NRP1 is on the minus strand). VCF-style: chr10-33226261-G-A. GRCh37 (hg19) VCF-style: chr10-33515189-G-A.
Other names: c.1010C>T, p.Thr337Met (NM_001024628.3, NM_001024629.3, NM_001244972.2 and 2 more transcripts); short protein forms T337M.
Identifiers: ClinVar variation 2636136 (VCV002636136.1), dbSNP rs142121081, ClinGen allele CA5466759.
Genomic context (GRCh38, chr10:33,226,261, plus strand): 5'-GTCTTGACATAATATTTCTTCTTGGTTTCTTTTGAAATGGCGCCCTGTGTCCCGACAGCC[G>A]TGACAAAGCGCAGAAGGCCCAAGTCTACCTGCAAGACAAGTACAAGCGTGGTCAGTGCAC-3'
Protein context (NP_003864.5, residues 327-347): QVDLGLLRFV[Thr337Met]AVGTQGAISK